The following is an entry in ClinVar:

ClinVar aggregate classification (germline): Uncertain significance (1 of 4 stars; one submission).

Submission:

CeGaT Center for Human Genetics Tuebingen
Classification: Uncertain significance. Last evaluated: 2023-07-01. Review status: criteria provided, single submitter. Criteria: CeGaT Center For Human Genetics Tuebingen Variant Classification Criteria Version 2. Collection method: clinical testing. Allele origin: germline. Affected: yes. Observed: 1 variant allele.
Comment: ORAI1: PM1, PM2

NM_032790.4(ORAI1):c.247C>T (p.Arg83Cys)

Genes: ORAI1 (ORAI calcium release-activated calcium modulator 1; plus strand), LOC130008987 (ATAC-STARR-seq lymphoblastoid silent region 4981; plus strand). Cytogenetic location: 12q24.31.
Variant type: single nucleotide variant.
Coding change: c.247C>T on transcript NM_032790.4 (MANE Select); coding-DNA position 247, C replaced by T.
Protein change: p.Arg83Cys; replaces arginine 83 with cysteine.
Molecular consequence: missense variant. On other transcripts: non-coding transcript variant (1).
Genome position (GRCh38, 1-based): chr12:121,626,994, C>T. VCF-style: chr12-121626994-C-T. GRCh37 (hg19) VCF-style: chr12-122064900-C-T.
Other names: short protein forms R83C.
Identifiers: ClinVar variation 2643412 (VCV002643412.24), dbSNP rs2503522708, ClinGen allele CA386981054.